The following is an entry in ClinVar:

NM_001005337.3(PKP1):c.*2704A>G

Gene: PKP1 (plakophilin 1; plus strand). Cytogenetic location: 1q32.1.
Variant type: single nucleotide variant.
Coding change: c.*2704A>G on transcript NM_001005337.3 (MANE Select); 2704 bases downstream of the stop codon, A replaced by G.
Molecular consequence: 3 prime UTR variant.
Genome position (GRCh38, 1-based): chr1:201,332,745, A>G. VCF-style: chr1-201332745-A-G. GRCh37 (hg19) VCF-style: chr1-201301873-A-G.
Other names: c.*2704A>G (NM_000299.4).
Identifiers: ClinVar variation 294886 (VCV000294886.6), dbSNP rs1046962, ClinGen allele CA10609405.

ClinVar aggregate classification (germline): Benign. Review status: criteria provided, multiple submitters, no conflicts (2 of 4 stars). 2 submissions from 2 submitters: Benign (2). Last evaluated 2018-01-13.

Conditions:
Epidermolysis bullosa simplex due to plakophilin deficiency. Also called: MCGRATH SYNDROME. Identifiers: Orphanet 158668, MedGen C1858302, MONDO:0011472, OMIM 604536.

Allele frequency attached by ClinVar (database versions not stated): TOPMed 0.81464; gnomAD 0.81800 and 0.82246; gnomAD exomes 0.83333; 1000 Genomes Project 30x 0.84088; 1000 Genomes Project 0.84225.
gnomAD v4.1: 124,998 of 152,192 alleles (82%); highest among the groups gnomAD compares: South Asian, 90%; 51,383 homozygotes.

Submissions (2):

Illumina Laboratory Services, Illumina
Classification: Benign for Epidermolysis bullosa simplex due to plakophilin deficiency. Last evaluated: 2018-01-13. Review status: criteria provided, single submitter. Criteria: ICSL Variant Classification Criteria 13 December 2019. Collection method: clinical testing. Allele origin: germline.
Comment: This variant was observed in the ICSL laboratory as part of a predisposition screen in an ostensibly healthy population. It had not been previously curated by ICSL or reported in the Human Gene Mutation Database (HGMD: prior to June 1st, 2018), and was therefore a candidate for classification through an automated scoring system. Utilizing variant allele frequency, disease prevalence and penetrance estimates, and inheritance mode, an automated score was calculated to assess if this variant is too frequent to cause the disease. Based on the score and internal cut-off values, a variant classified as benign is not then subjected to further curation. The score for this variant resulted in a classification of benign for this disease.

Breakthrough Genomics
Classification: Benign. Review status: criteria provided, single submitter. Criteria: ACMG Guidelines, 2015. Collection method: not provided. Allele origin: germline. Inheritance: Autosomal recessive inheritance. Affected: yes.